The following is an entry in ClinVar:

NM_002334.4(LRP4):c.1285G>A (p.Asp429Asn)

Gene: LRP4 (LDL receptor related protein 4; minus strand). Cytogenetic location: 11p11.2.
Variant type: single nucleotide variant.
Coding change: c.1285G>A on transcript NM_002334.4 (MANE Select); coding-DNA position 1285, G replaced by A.
Protein change: p.Asp429Asn; replaces aspartic acid 429 with asparagine.
Molecular consequence: missense variant.
Genome position (GRCh38, 1-based): chr11:46,895,190, C>T on the plus strand (G>A on the coding strand, the complement: LRP4 is on the minus strand). VCF-style: chr11-46895190-C-T. GRCh37 (hg19) VCF-style: chr11-46916741-C-T.
Other names: short protein forms D429N.
Identifiers: ClinVar variation 1045238 (VCV001045238.6), dbSNP rs770279192, ClinGen allele CA5970205.

ClinVar aggregate classification (germline): Uncertain significance (1 of 4 stars; one submission).

Conditions:
Congenital myasthenic syndrome 17. Identifiers: Orphanet 590, MedGen C4225377, MONDO:0014578, OMIM 616304.
Sclerosteosis 2 (SOST2). Identifiers: Orphanet 3152, MedGen C3280402, MONDO:0013679, OMIM 614305.
Cenani-Lenz syndactyly syndrome. Also called: CENANI SYNDACTYLISM; SYNDACTYLY, TYPE VII. Identifiers: Orphanet 3258, MedGen C1859309, MONDO:0008931, OMIM 212780.

Allele frequency attached by ClinVar (database versions not stated): ExAC 0.00002; gnomAD exomes 0.00004; gnomAD 0.00005; TOPMed 0.00006.
gnomAD v4.1: 41 of 1,613,924 alleles (0.0025%); highest among the groups gnomAD compares: South Asian, 0.02%; no homozygotes.

Submission:

Labcorp Genetics (formerly Invitae), Labcorp
Classification: Uncertain significance for Cenani-Lenz syndactyly syndrome; Sclerosteosis 2; Congenital myasthenic syndrome 17. Last evaluated: 2022-08-31. Review status: criteria provided, single submitter. Criteria: Invitae Variant Classification Sherloc (09022015). Collection method: clinical testing. Allele origin: germline.
Comment: This sequence change replaces aspartic acid, which is acidic and polar, with asparagine, which is neutral and polar, at codon 429 of the LRP4 protein (p.Asp429Asn). This variant is present in population databases (rs770279192, gnomAD 0.01%). This variant has not been reported in the literature in individuals affected with LRP4-related conditions. ClinVar contains an entry for this variant (Variation ID: 1045238). Algorithms developed to predict the effect of missense changes on protein structure and function are either unavailable or do not agree on the potential impact of this missense change (SIFT: "Deleterious"; PolyPhen-2: "Possibly Damaging"; Align-GVGD: "Class C0"). In summary, the available evidence is currently insufficient to determine the role of this variant in disease. Therefore, it has been classified as a Variant of Uncertain Significance.